The following is an entry in ClinVar:

NM_001082486.2(ACD):c.1151C>T (p.Pro384Leu)

Gene: ACD (ACD shelterin complex subunit and telomerase recruitment factor; minus strand). Cytogenetic location: 16q22.1.
Variant type: single nucleotide variant.
Coding change: c.1151C>T on transcript NM_001082486.2 (MANE Select); coding-DNA position 1151, C replaced by T.
Protein change: p.Pro384Leu; replaces proline 384 with leucine.
Molecular consequence: missense variant.
Genome position (GRCh38, 1-based): chr16:67,658,041, G>A on the plus strand (C>T on the coding strand, the complement: ACD is on the minus strand). VCF-style: chr16-67658041-G-A. GRCh37 (hg19) VCF-style: chr16-67691944-G-A.
Other names: c.1142C>T, p.Pro381Leu (NM_022914.3); short protein forms P381L, P384L.
Identifiers: ClinVar variation 1377935 (VCV001377935.11), dbSNP rs781117606, ClinGen allele CA8114431.

ClinVar aggregate classification (germline): Uncertain significance. Review status: criteria provided, multiple submitters, no conflicts (2 of 4 stars). 2 submissions from 2 submitters: Uncertain significance (2). Last evaluated 2024-07-09.

Conditions:
Inborn genetic diseases. Identifiers: MedGen C0950123, MeSH D030342.
Dyskeratosis congenita, autosomal dominant 6 (DKCA6). Identifiers: Orphanet 3322, MedGen C4225284, MONDO:0014690, OMIM 616553.

Allele frequency attached by ClinVar (database versions not stated): ExAC 0.00002; gnomAD exomes 0.00002 and 0.00003; TOPMed 0.00002; gnomAD 0.00003.
gnomAD v4.1: 47 of 1,547,080 alleles (0.003%); highest among the groups gnomAD compares: East Asian, 0.0068%; no homozygotes.

Submissions (2):

Ambry Genetics
Classification: Uncertain significance for Inborn genetic diseases. Last evaluated: 2024-07-09. Review status: criteria provided, single submitter. Criteria: Ambry Variant Classification Scheme 2023. Collection method: clinical testing. Allele origin: germline.

Labcorp Genetics (formerly Invitae), Labcorp
Classification: Uncertain significance for Dyskeratosis congenita, autosomal dominant 6. Last evaluated: 2022-06-26. Review status: criteria provided, single submitter. Criteria: Invitae Variant Classification Sherloc (09022015). Collection method: clinical testing. Allele origin: germline.
Comment: In summary, the available evidence is currently insufficient to determine the role of this variant in disease. Therefore, it has been classified as a Variant of Uncertain Significance. Algorithms developed to predict the effect of missense changes on protein structure and function (SIFT, PolyPhen-2, Align-GVGD) all suggest that this variant is likely to be tolerated. This variant has not been reported in the literature in individuals affected with ACD-related conditions. This variant is present in population databases (rs781117606, gnomAD 0.006%). This sequence change replaces proline, which is neutral and non-polar, with leucine, which is neutral and non-polar, at codon 470 of the ACD protein (p.Pro470Leu).